The following is an entry in ClinVar:

ClinVar aggregate classification (germline): Pathogenic/Likely pathogenic. Review status: criteria provided, multiple submitters, no conflicts (2 of 4 stars). 4 submissions from 4 submitters: Pathogenic (1); Likely pathogenic (3). Last evaluated 2025-09-01.

Conditions:
TRAF3IP1-related disorder. Also called: TRAF3IP1-related condition.
Senior-Loken syndrome 9 (SLSN9). Identifiers: Orphanet 3156, MedGen C4225263, MONDO:0014712, OMIM 616629.

Submissions (4):

Labcorp Genetics (formerly Invitae), Labcorp
Classification: Pathogenic. Last evaluated: 2025-09-01. Review status: criteria provided, single submitter. Criteria: Invitae Variant Classification Sherloc (09022015). Collection method: clinical testing. Allele origin: germline.
Comment: This sequence change creates a premature translational stop signal (p.Ser306Glnfs*34) in the TRAF3IP1 gene. It is expected to result in an absent or disrupted protein product. Loss-of-function variants in TRAF3IP1 are known to be pathogenic (PMID: 21945076, 26487268, 29068549). The frequency data for this variant in the population databases is considered unreliable, as metrics indicate poor data quality at this position in the gnomAD database. This variant has not been reported in the literature in individuals affected with TRAF3IP1-related conditions. ClinVar contains an entry for this variant (Variation ID: 837046). Algorithms developed to predict the effect of sequence changes on RNA splicing suggest that this variant may disrupt the consensus splice site. For these reasons, this variant has been classified as Pathogenic.

GeneDx
Classification: Likely pathogenic. Last evaluated: 2024-09-06. Review status: criteria provided, single submitter. Criteria: GeneDx Variant Classification Process June 2021. Collection method: clinical testing. Allele origin: germline. Affected: yes.
Comment: Frameshift variant predicted to result in protein truncation or nonsense mediated decay in a gene for which loss-of-function is a known mechanism of disease; Has not been previously published as pathogenic or benign to our knowledge

Blueprint Genetics
Classification: Likely pathogenic for TRAF3IP1-related disorders. Last evaluated: 2024-07-10. Review status: criteria provided, single submitter. Criteria: ACMG Guidelines, 2015. Collection method: clinical testing. Allele origin: germline. Affected: yes. Observed: 5 variant alleles.

Department of Pathology and Laboratory Medicine, Sinai Health System
Classification: Likely pathogenic for Senior-Loken syndrome 9. Last evaluated: 2023-09-18. Review status: criteria provided, single submitter. Criteria: ACMG Guidelines, 2015. Collection method: research. Allele origin: germline.

Literature cited by the submitters: PubMed 21945076 (cited by Labcorp Genetics (formerly Invitae), Labcorp); PubMed 26487268 (cited by Labcorp Genetics (formerly Invitae), Labcorp); PubMed 29068549 (cited by Labcorp Genetics (formerly Invitae), Labcorp).

NC_000002.12:g.238332824_238332827del

Gene: IFT54 (intraflagellar transport 54; plus strand). Cytogenetic location: 2q37.3.
Variant type: Deletion.
Genome position: GRCh38 VCF-style: chr2-238332821-TAGTC-T. GRCh37 (hg19) VCF-style: chr2-239241462-TAGTC-T.
Identifiers: ClinVar variation 837046 (VCV000837046.12), dbSNP rs745954112, ClinGen allele CA2198197.